The following is an entry in ClinVar:

NM_000466.3(PEX1):c.1670+1G>A

Gene: PEX1 (peroxisomal biogenesis factor 1; minus strand). Cytogenetic location: 7q21.2.
Variant type: single nucleotide variant.
Coding change: c.1670+1G>A on transcript NM_000466.3 (MANE Select); the canonical splice donor site of the intron after coding-DNA position 1670, G replaced by A.
Molecular consequence: splice donor variant.
Genome position (GRCh38, 1-based): chr7:92,509,328, C>T on the plus strand (G>A on the coding strand, the complement: PEX1 is on the minus strand). VCF-style: chr7-92509328-C-T. GRCh37 (hg19) VCF-style: chr7-92138642-C-T.
Other names: c.1670+1G>A (NM_001282677.2); c.1046+1G>A (NM_001282678.2).
Identifiers: ClinVar variation 371753 (VCV000371753.11), dbSNP rs1057517490, ClinGen allele CA16041163.

ClinVar aggregate classification (germline): Pathogenic/Likely pathogenic. Review status: criteria provided, multiple submitters, no conflicts (2 of 4 stars). 5 submissions from 4 submitters: Pathogenic (1); Likely pathogenic (2). 2 of the submissions do not count toward it. Last evaluated 2025-09-23.

Conditions:
Zellweger spectrum disorders (ZS). Also called: Zellweger Spectrum Disorder (ZSD); Zellweger Spectrum Disorder; Zellweger Spectrum; Zellweger syndrome. Identifiers: Orphanet 912, MedGen C0043459, MONDO:0019609.
Peroxisome biogenesis disorder 1B (PBD1B). Also called: Refsum disease, infantile form; Infantile Refsum disease; Infantile form of phytanic acid storage disease; PEROXISOME BIOGENESIS DISORDER (NEONATAL ADRENOLEUKODYSTROPHY/INFANTILE REFSUM DISEASE); INFANTILE PHYTANIC ACID STORAGE DISEASE; PEROXISOME BIOGENESIS DISORDER (NALD/IRD). Identifiers: Orphanet 44, MedGen C0282527, MONDO:0011101, OMIM 601539.
Peroxisome biogenesis disorder 1A (Zellweger) (PBD1A). Also called: Zellweger leukodystrophy; Peroxisome biogenesis disorder 1a. Identifiers: MedGen C4721541, MONDO:0008953, OMIM 214100.

Allele frequency attached by ClinVar (database versions not stated): gnomAD exomes below 0.00001.
gnomAD v4.1: 1 of 1,606,470 alleles (0.000062%); highest among the groups gnomAD compares: Non-Finnish European, 0.000085%; no homozygotes.

Submissions (5):

Natera, Inc.
Classification: Pathogenic for Zellweger syndrome. Last evaluated: 2025-09-23. Review status: criteria provided, single submitter. Criteria: Natera Variant Classification Schema (03/2026). Collection method: clinical testing. Allele origin: germline.
Comment: The c.1670+1G>A variant in PEX1 is a canonical splice donor site variant predicted to affect pre-mRNA splicing, which may result in an abnormal transcript and altered protein product. This variant is expected to result in nonsense mediated decay, truncation, or a dysfunctional protein product. This variant is rare in the general population with a frequency below the threshold expected for the associated phenotype(s). This variant has been observed in one or more individuals affected with the associated recessive disease, as either homozygous or compound heterozygous with a second variant (PMID: 31742715). Given the available evidence, this variant is classified as Pathogenic.

Labcorp Genetics (formerly Invitae), Labcorp
Classification: Likely pathogenic for Zellweger spectrum disorders. Last evaluated: 2022-04-01. Review status: criteria provided, single submitter. Criteria: Invitae Variant Classification Sherloc (09022015). Collection method: clinical testing. Allele origin: germline.
Comment: This sequence change affects a donor splice site in intron 9 of the PEX1 gene. It is expected to disrupt RNA splicing. Variants that disrupt the donor or acceptor splice site typically lead to a loss of protein function (PMID: 16199547), and loss-of-function variants in PEX1 are known to be pathogenic (PMID: 9398847, 16086329, 16141001, 21031596, 26387595, 31831025). This variant is not present in population databases (gnomAD no frequency). Disruption of this splice site has been observed in individual(s) with clinical features of Zellweger syndrome (PMID: 31742715). ClinVar contains an entry for this variant (Variation ID: 371753). Algorithms developed to predict the effect of sequence changes on RNA splicing suggest that this variant may disrupt the consensus splice site. In summary, the currently available evidence indicates that the variant is pathogenic, but additional data are needed to prove that conclusively. Therefore, this variant has been classified as Likely Pathogenic.

Diagnostics Division, CENTRE FOR DNA FINGERPRINTING AND DIAGNOSTICS
Classification: Likely pathogenic for Peroxisome biogenesis disorder 1A (Zellweger). Last evaluated: 2019-01-01. Review status: criteria provided, single submitter. Criteria: ACMG Guidelines, 2015. Collection method: research. Allele origin: germline. Affected: yes. Observed: 1 homozygote.
Comment: Splicing variant

Counsyl
Classification: Likely pathogenic for Peroxisome biogenesis disorder 1A (Zellweger). Last evaluated: 2016-06-23. Review status: no assertion criteria provided. Collection method: clinical testing. Allele origin: unknown. Not counted in ClinVar's aggregate classification.

Counsyl
Classification: Likely pathogenic for Peroxisome biogenesis disorder 1B. Last evaluated: 2016-06-23. Review status: no assertion criteria provided. Collection method: clinical testing. Allele origin: unknown. Not counted in ClinVar's aggregate classification.

Literature cited by the submitters: PubMed 31742715 (cited by Natera, Inc. and Labcorp Genetics (formerly Invitae), Labcorp); PubMed 16199547 (cited by Labcorp Genetics (formerly Invitae), Labcorp); PubMed 9398847 (cited by Labcorp Genetics (formerly Invitae), Labcorp); PubMed 16086329 (cited by Labcorp Genetics (formerly Invitae), Labcorp); PubMed 16141001 (cited by Labcorp Genetics (formerly Invitae), Labcorp); PubMed 21031596 (cited by Labcorp Genetics (formerly Invitae), Labcorp); PubMed 26387595 (cited by Labcorp Genetics (formerly Invitae), Labcorp); PubMed 31831025 (cited by Labcorp Genetics (formerly Invitae), Labcorp).